The following is an entry in ClinVar:

NM_152617.4(RNF168):c.767T>C (p.Ile256Thr)

Gene: RNF168 (ring finger protein 168; minus strand). Cytogenetic location: 3q29.
Variant type: single nucleotide variant.
Coding change: c.767T>C on transcript NM_152617.4 (MANE Select); coding-DNA position 767, T replaced by C.
Protein change: p.Ile256Thr; replaces isoleucine 256 with threonine.
Molecular consequence: missense variant.
Genome position (GRCh38, 1-based): chr3:196,472,768, A>G on the plus strand (T>C on the coding strand, the complement: RNF168 is on the minus strand). VCF-style: chr3-196472768-A-G. GRCh37 (hg19) VCF-style: chr3-196199639-A-G.
Other names: c.767T>C (NM_152617.3); short protein forms I256T.
Identifiers: ClinVar variation 1353025 (VCV001353025.6), dbSNP rs1732043783, ClinGen allele CA355618407.

ClinVar aggregate classification (germline): Conflicting classifications of pathogenicity. Review status: criteria provided, conflicting classifications (1 of 4 stars). 2 submissions from 2 submitters: Uncertain significance (1); Likely benign (1). Last evaluated 2022-05-11.

Conditions:
Inborn genetic diseases. Identifiers: MedGen C0950123, MeSH D030342.

Allele frequency attached by ClinVar (database versions not stated): gnomAD exomes below 0.00001; TOPMed below 0.00001.
gnomAD v4.1: 1 of 1,597,010 alleles (0.000063%); highest among the groups gnomAD compares: Non-Finnish European, 0.000086%; no homozygotes.

Submissions (2):

Ambry Genetics
Classification: Likely benign for Inborn genetic diseases. Last evaluated: 2022-05-11. Review status: criteria provided, single submitter. Criteria: Ambry Variant Classification Scheme 2023. Collection method: clinical testing. Allele origin: germline.

Labcorp Genetics (formerly Invitae), Labcorp
Classification: Uncertain significance. Last evaluated: 2021-08-31. Review status: criteria provided, single submitter. Criteria: Invitae Variant Classification Sherloc (09022015). Collection method: clinical testing. Allele origin: germline.
Comment: This sequence change replaces isoleucine with threonine at codon 256 of the RNF168 protein (p.Ile256Thr). The isoleucine residue is weakly conserved and there is a moderate physicochemical difference between isoleucine and threonine. This variant is not present in population databases (ExAC no frequency). This variant has not been reported in the literature in individuals affected with RNF168-related conditions. Algorithms developed to predict the effect of missense changes on protein structure and function output the following: SIFT: "Tolerated"; PolyPhen-2: "Benign"; Align-GVGD: "Class C0". The threonine amino acid residue is found in multiple mammalian species, which suggests that this missense change does not adversely affect protein function. In summary, the available evidence is currently insufficient to determine the role of this variant in disease. Therefore, it has been classified as a Variant of Uncertain Significance.